The following is an entry in ClinVar:

ClinVar aggregate classification (germline): Uncertain significance (1 of 4 stars; one submission).

Submission:

GeneDx
Classification: Uncertain significance. Last evaluated: 2023-03-22. Review status: criteria provided, single submitter. Criteria: GeneDx Variant Classification Process June 2021. Collection method: clinical testing. Allele origin: germline. Affected: yes.
Comment: Not observed at significant frequency in large population cohorts (gnomAD); In-frame deletion of 3 amino acids in a non-repeat region; Has not been previously published as pathogenic or benign to our knowledge

NM_000834.5(GRIN2B):c.2986_2994del (p.Ala997_Ser999del)

Gene: GRIN2B (glutamate ionotropic receptor NMDA type subunit 2B; minus strand). Cytogenetic location: 12p13.1.
Variant type: Deletion.
Coding change: c.2986_2994del on transcript NM_000834.5 (MANE Select); coding-DNA positions 2986 to 2994, 9 bases deleted (AGTGCCAGC; older notation c.2986_2994delAGTGCCAGC).
Protein change: p.Ala997_Ser999del.
Molecular consequence: inframe deletion.
Genome position (GRCh38, 1-based): chr12:13,564,244-13,564,252, GCTGGCACT deleted on the plus strand (AGTGCCAGC on the coding strand, the reverse complement: GRIN2B is on the minus strand); deleting any 9 consecutive bases within chr12:13,564,244-13,564,254 gives the same sequence; the c. name uses the placement nearest the transcript's 3' end. VCF-style (leftmost placement, unchanged base first): chr12-13564243-AGCTGGCACT-A. GRCh37 (hg19) VCF-style: chr12-13717177-AGCTGGCACT-A.
Other names: c.2986_2994del, p.Ala997_Ser999del (NM_001413992.1).
Identifiers: ClinVar variation 2580607 (VCV002580607.1), dbSNP rs2497470449, ClinGen allele CA2580618122.
Genomic context (GRCh38, chr12:13,564,243, plus strand): 5'-TGATGGACCTGGACTGGGTGGTGAAGGGTGGGTTGTCACAGTCGTAGAGCCCATCGATGG[AGCTGGCACT>A]GCCAATACTATGGGGCCGGTGGTGATGGTGGTAGTGATCTTGGTACACGTTGCTGTCCTT-3'